The following is an entry in ClinVar:

ClinVar aggregate classification (germline): Uncertain significance (1 of 4 stars; one submission).

Conditions:
Renal cell carcinoma. Identifiers: Orphanet 217071, MedGen C0007134, MeSH D002292, MONDO:0005086, HP:0005584.

Submission:

Labcorp Genetics (formerly Invitae), Labcorp
Classification: Uncertain significance for Renal cell carcinoma. Last evaluated: 2024-03-07. Review status: criteria provided, single submitter. Criteria: Invitae Variant Classification Sherloc (09022015). Collection method: clinical testing. Allele origin: germline.
Comment: This sequence change affects an acceptor splice site in intron 18 of the MET gene. It is expected to disrupt RNA splicing. Variants that disrupt the donor or acceptor splice site typically lead to a loss of protein function (PMID: 16199547), however the current clinical and genetic evidence is not sufficient to establish whether loss-of-function variants in MET cause disease. This variant is not present in population databases (gnomAD no frequency). This variant has not been reported in the literature in individuals affected with MET-related conditions. Algorithms developed to predict the effect of sequence changes on RNA splicing suggest that this variant may disrupt the consensus splice site. In summary, the available evidence is currently insufficient to determine the role of this variant in disease. Therefore, it has been classified as a Variant of Uncertain Significance.

Literature cited by the submitters: PubMed 16199547.

NM_000245.4(MET):c.3633-1G>A

Gene: MET (MET proto-oncogene, receptor tyrosine kinase; plus strand). Cytogenetic location: 7q31.2.
Variant type: single nucleotide variant.
Coding change: c.3633-1G>A on transcript NM_000245.4 (MANE Select); the canonical splice acceptor site of the intron before coding-DNA position 3633, G replaced by A.
Molecular consequence: splice acceptor variant.
Genome position (GRCh38, 1-based): chr7:116,783,303, G>A. VCF-style: chr7-116783303-G-A. GRCh37 (hg19) VCF-style: chr7-116423357-G-A.
Other names: c.3687-1G>A (NM_001127500.3); c.2343-1G>A (NM_001324402.2).
Identifiers: ClinVar variation 3670528 (VCV003670528.2).